The following is an entry in ClinVar:

ClinVar aggregate classification (germline): Uncertain significance (1 of 4 stars; one submission).

Allele frequency attached by ClinVar (database versions not stated): gnomAD exomes below 0.00001 and 0.00001; ExAC 0.00001; gnomAD 0.00001; TOPMed 0.00001.

Submission:

Labcorp Genetics (formerly Invitae), Labcorp
Classification: Uncertain significance. Last evaluated: 2021-07-06. Review status: criteria provided, single submitter. Criteria: Invitae Variant Classification Sherloc (09022015). Collection method: clinical testing. Allele origin: germline.
Comment: This variant has not been reported in the literature in individuals affected with CABP4-related conditions. This sequence change replaces leucine with glutamine at codon 126 of the CABP4 protein (p.Leu126Gln). The leucine residue is moderately conserved and there is a moderate physicochemical difference between leucine and glutamine. This variant is present in population databases (rs777766969, ExAC 0.002%). Algorithms developed to predict the effect of missense changes on protein structure and function are either unavailable or do not agree on the potential impact of this missense change (SIFT: "Deleterious"; PolyPhen-2: "Probably Damaging"; Align-GVGD: "Class C0"). In summary, the available evidence is currently insufficient to determine the role of this variant in disease. Therefore, it has been classified as a Variant of Uncertain Significance.

NM_145200.5(CABP4):c.377T>A (p.Leu126Gln)

Gene: CABP4 (calcium binding protein 4; plus strand). Cytogenetic location: 11q13.2.
Variant type: single nucleotide variant.
Coding change: c.377T>A on transcript NM_145200.5 (MANE Select); coding-DNA position 377, T replaced by A.
Protein change: p.Leu126Gln; replaces leucine 126 with glutamine.
Molecular consequence: missense variant.
Genome position (GRCh38, 1-based): chr11:67,456,198, T>A. VCF-style: chr11-67456198-T-A. GRCh37 (hg19) VCF-style: chr11-67223669-T-A.
Other names: c.62T>A, p.Leu21Gln (NM_001300895.3, NM_001300896.3, NM_001379183.1); short protein forms L126Q, L21Q.
Identifiers: ClinVar variation 1400965 (VCV001400965.8), dbSNP rs777766969, ClinGen allele CA6140187.